The following is an entry in ClinVar:

ClinVar aggregate classification (germline): Uncertain significance (1 of 4 stars; one submission).

Allele frequency attached by ClinVar (database versions not stated): gnomAD exomes below 0.00001.
gnomAD v4.1: 1 of 1,614,172 alleles (0.000062%); highest among the groups gnomAD compares: Non-Finnish European, 0.000085%; no homozygotes.

Submission:

Labcorp Genetics (formerly Invitae), Labcorp
Classification: Uncertain significance. Last evaluated: 2023-04-03. Review status: criteria provided, single submitter. Criteria: Invitae Variant Classification Sherloc (09022015). Collection method: clinical testing. Allele origin: germline.
Comment: In summary, the available evidence is currently insufficient to determine the role of this variant in disease. Therefore, it has been classified as a Variant of Uncertain Significance. This sequence change replaces tyrosine, which is neutral and polar, with cysteine, which is neutral and slightly polar, at codon 3298 of the KMT2A protein (p.Tyr3298Cys). This variant is not present in population databases (gnomAD no frequency). This variant has not been reported in the literature in individuals affected with KMT2A-related conditions. Advanced modeling of protein sequence and biophysical properties (such as structural, functional, and spatial information, amino acid conservation, physicochemical variation, residue mobility, and thermodynamic stability) has been performed at Invitae for this missense variant, however the output from this modeling did not meet the statistical confidence thresholds required to predict the impact of this variant on KMT2A protein function.

NM_001197104.2(KMT2A):c.9893A>G (p.Tyr3298Cys)

Gene: KMT2A (lysine methyltransferase 2A; plus strand). Cytogenetic location: 11q23.3.
Variant type: single nucleotide variant.
Coding change: c.9893A>G on transcript NM_001197104.2 (MANE Select); coding-DNA position 9893, A replaced by G.
Protein change: p.Tyr3298Cys; replaces tyrosine 3298 with cysteine.
Molecular consequence: missense variant.
Genome position (GRCh38, 1-based): chr11:118,505,785, A>G. VCF-style: chr11-118505785-A-G. GRCh37 (hg19) VCF-style: chr11-118376500-A-G.
Other names: c.9983A>G, p.Tyr3328Cys (NM_001412597.1); c.9884A>G, p.Tyr3295Cys (NM_005933.4); short protein forms Y3295C, Y3328C, Y3298C.
Identifiers: ClinVar variation 2821003 (VCV002821003.3), dbSNP rs2497024022, ClinGen allele CA382822145.